The following is an entry in ClinVar:

ClinVar aggregate classification (germline): Uncertain significance. Review status: criteria provided, multiple submitters, no conflicts (2 of 4 stars). 3 submissions from 3 submitters: Uncertain significance (3). Last evaluated 2024-11-12.

Conditions:
Hypertrophic cardiomyopathy. Also called: HYPERTROPHIC MYOCARDIOPATHY. Identifiers: Orphanet 217569, MedGen C0007194, MeSH D002312, MONDO:0005045, HP:0001639.

Submissions (3):

Labcorp Genetics (formerly Invitae), Labcorp
Classification: Uncertain significance for Hypertrophic cardiomyopathy. Last evaluated: 2024-11-12. Review status: criteria provided, single submitter. Criteria: Invitae Variant Classification Sherloc (09022015). Collection method: clinical testing. Allele origin: germline.
Comment: This sequence change replaces threonine, which is neutral and polar, with asparagine, which is neutral and polar, at codon 318 of the MYH7 protein (p.Thr318Asn). This variant is not present in population databases (gnomAD no frequency). This missense change has been observed in individual(s) with hypertrophic cardiomyopathy (PMID: 27247418, 30297972; internal data). ClinVar contains an entry for this variant (Variation ID: 43112). Invitae Evidence Modeling of protein sequence and biophysical properties (such as structural, functional, and spatial information, amino acid conservation, physicochemical variation, residue mobility, and thermodynamic stability) indicates that this missense variant is expected to disrupt MYH7 protein function with a positive predictive value of 95%. In summary, the available evidence is currently insufficient to determine the role of this variant in disease. Therefore, it has been classified as a Variant of Uncertain Significance.

Women's Health and Genetics/Laboratory Corporation of America, LabCorp
Classification: Uncertain significance. Last evaluated: 2023-05-16. Review status: criteria provided, single submitter. Criteria: LabCorp Variant Classification Summary - May 2015. Collection method: clinical testing. Allele origin: germline.
Comment: Variant summary: MYH7 c.953C>A (p.Thr318Asn) results in a non-conservative amino acid change located in the Myosin head, motor domain (IPR001609) of the encoded protein sequence. Five of five in-silico tools predict a damaging effect of the variant on protein function. The variant was absent in 251392 control chromosomes. The available data on variant occurrences in the general population are insufficient to allow any conclusion about variant significance. c.953C>A has been reported in the literature in individuals affected with Hypertrophic Cardiomyopathy (Ho_2018). This report does not provide unequivocal conclusions about association of the variant with Cardiomyopathy. To our knowledge, no experimental evidence demonstrating an impact on protein function has been reported. The following publication have been ascertained in the context of this evaluation (PMID: 30297972). No clinical diagnostic laboratories have submitted clinical-significance assessments for this variant to ClinVar after 2014. Based on the evidence outlined above, the variant was classified as uncertain significance.

Laboratory for Molecular Medicine, Mass General Brigham Personalized Medicine
Classification: Uncertain significance. Last evaluated: 2014-01-19. Review status: criteria provided, single submitter. Criteria: LMM Criteria. Collection method: clinical testing. Allele origin: germline. Observed: 1 variant allele.
Comment: proposed classification - variant undergoing re-assessment, contact laboratory

Literature cited by the submitters: PubMed 27247418 (cited by Labcorp Genetics (formerly Invitae), Labcorp); PubMed 30297972 (cited by Labcorp Genetics (formerly Invitae), Labcorp and Women's Health and Genetics/Laboratory Corporation of America, LabCorp).

NM_000257.4(MYH7):c.953C>A (p.Thr318Asn)

Gene: MYH7 (myosin heavy chain 7; minus strand). Cytogenetic location: 14q11.2.
Variant type: single nucleotide variant.
Coding change: c.953C>A on transcript NM_000257.4 (MANE Select); coding-DNA position 953, C replaced by A.
Protein change: p.Thr318Asn; replaces threonine 318 with asparagine.
Molecular consequence: missense variant.
Genome position (GRCh38, 1-based): chr14:23,430,606, G>T on the plus strand (C>A on the coding strand, the complement: MYH7 is on the minus strand). VCF-style: chr14-23430606-G-T. GRCh37 (hg19) VCF-style: chr14-23899815-G-T.
Other names: c.953C>A (NM_000257.3); short protein forms T318N.
Identifiers: ClinVar variation 43112 (VCV000043112.9), dbSNP rs397516274, ClinGen allele CA016986.
Genomic context (GRCh38, chr14:23,430,606, plus strand): 5'-CCTCACACACTCACATCAGTGGCCATGAGCTCCTCAGCGTCATCAATGGAGGCCACGGTG[G>T]TCTCTCCTTGGGAGATGAATGCATAATCGTAGGGGTTGTTGGTGATCAGCAGCATGTCTA-3'
Protein context (NP_000248.2, residues 308-328): YDYAFISQGE[Thr318Asn]TVASIDDAEE